The following is an entry in ClinVar:

ClinVar aggregate classification (germline): Uncertain significance (1 of 4 stars; one submission).

Conditions:
Hereditary cancer-predisposing syndrome. Also called: Neoplastic Syndromes, Hereditary; Tumor predisposition; Hereditary neoplastic syndrome; Hereditary Cancer Syndrome. Identifiers: Orphanet 140162, MedGen C0027672, MeSH D009386, MONDO:0015356.

Submission:

Ambry Genetics
Classification: Uncertain significance for Hereditary cancer-predisposing syndrome. Last evaluated: 2024-06-08. Review status: criteria provided, single submitter. Criteria: Ambry Variant Classification Scheme 2023. Collection method: clinical testing. Allele origin: germline.
Comment: The p.G654V variant (also known as c.1961G>T), located in coding exon 18 of the TSC2 gene, results from a G to T substitution at nucleotide position 1961. The glycine at codon 654 is replaced by valine, an amino acid with dissimilar properties. This amino acid position is conserved. In addition, the in silico prediction for this alteration is inconclusive. Based on the available evidence, the clinical significance of this variant remains unclear.

NM_000548.5(TSC2):c.1961G>T (p.Gly654Val)

Gene: TSC2 (TSC complex subunit 2; plus strand). Cytogenetic location: 16p13.3.
Variant type: single nucleotide variant.
Coding change: c.1961G>T on transcript NM_000548.5 (MANE Select); coding-DNA position 1961, G replaced by T.
Protein change: p.Gly654Val; replaces glycine 654 with valine.
Molecular consequence: missense variant. On other transcripts: non-coding transcript variant (5).
Genome position (GRCh38, 1-based): chr16:2,071,798, G>T. VCF-style: chr16-2071798-G-T. GRCh37 (hg19) VCF-style: chr16-2121799-G-T.
Other names: c.1361G>T, p.Gly454Val (NM_001406684.1, NM_001406685.1, NM_001406686.1 and 6 more transcripts); c.1961G>T, p.Gly654Val (NM_001077183.3, NM_001114382.3, NM_001363528.2 and 6 more transcripts); c.1850G>T, p.Gly617Val (NM_001318827.2, NM_001406670.1, NM_001406678.1); c.1814G>T, p.Gly605Val (NM_001318829.2, NM_001406675.1, NM_001406676.1 and 1 more transcripts); c.1994G>T, p.Gly665Val (NM_001318832.2); c.2051G>T, p.Gly684Val (NM_001406667.1, NM_001406668.1); c.1949G>T, p.Gly650Val (NM_001406671.1, NM_001406673.1); c.617G>T, p.Gly206Val (NM_001406689.1, NM_001406690.1, NM_001406691.1 and 6 more transcripts); and 3 more; short protein forms G206V, G635V, G650V, G120V, G454V, G500V, G665V, G605V.
Identifiers: ClinVar variation 3329530 (VCV003329530.1).